The following is an entry in ClinVar:

ClinVar aggregate classification (germline): Likely benign. Review status: criteria provided, multiple submitters, no conflicts (2 of 4 stars). 3 submissions from 3 submitters: Likely benign (3). Last evaluated 2025-12-17.

Conditions:
Autosomal recessive limb-girdle muscular dystrophy type 2A (LGMDR1). Also called: Limb-girdle muscular dystrophy, type 2A; Muscular dystrophy, limb-girdle, type 2A, Amish; Calpainopathy; LEYDEN-MOEBIUS MUSCULAR DYSTROPHY; MUSCULAR DYSTROPHY, PELVOFEMORAL. Identifiers: Orphanet 267, MedGen C1869123, MONDO:0009675, OMIM 253600. Disease mechanism: loss of function.

Allele frequency attached by ClinVar (database versions not stated): ExAC 0.00001; gnomAD 0.00001; gnomAD exomes 0.00001; TOPMed 0.00002.
gnomAD v4.1: 22 of 1,612,952 alleles (0.0014%); highest among the groups gnomAD compares: Non-Finnish European, 0.0018%; no homozygotes.

Submissions (3):

Labcorp Genetics (formerly Invitae), Labcorp
Classification: Likely benign for Autosomal recessive limb-girdle muscular dystrophy type 2A. Last evaluated: 2025-12-17. Review status: criteria provided, single submitter. Criteria: Invitae Variant Classification Sherloc (09022015). Collection method: clinical testing. Allele origin: germline.

Blueprint Genetics
Classification: Likely benign. Last evaluated: 2024-10-01. Review status: criteria provided, single submitter. Criteria: ACMG Guidelines, 2015. Collection method: clinical testing. Allele origin: germline.

GeneDx
Classification: Likely benign. Last evaluated: 2017-11-06. Review status: criteria provided, single submitter. Criteria: GeneDx Variant Classification (06012015). Collection method: clinical testing. Allele origin: germline. Affected: yes.
Comment: This variant is considered likely benign or benign based on one or more of the following criteria: it is a conservative change, it occurs at a poorly conserved position in the protein, it is predicted to be benign by multiple in silico algorithms, and/or has population frequency not consistent with disease.

NM_000070.3(CAPN3):c.801+19G>A

Gene: CAPN3 (calpain 3; plus strand). Cytogenetic location: 15q15.1.
Variant type: single nucleotide variant.
Coding change: c.801+19G>A on transcript NM_000070.3 (MANE Select); 19 bases into the intron after coding-DNA position 801, G replaced by A.
Molecular consequence: intron variant.
Genome position (GRCh38, 1-based): chr15:42,389,115, G>A. VCF-style: chr15-42389115-G-A. GRCh37 (hg19) VCF-style: chr15-42681313-G-A.
Other names: c.801+19G>A (NM_024344.2, NM_173087.2).
Identifiers: ClinVar variation 513034 (VCV000513034.7), dbSNP rs767858015, ClinGen allele CA7511115.